The following is an entry in ClinVar:

ClinVar aggregate classification (germline): Uncertain significance (1 of 4 stars; one submission).

Conditions:
Hereditary cancer-predisposing syndrome. Also called: Neoplastic Syndromes, Hereditary; Tumor predisposition; Hereditary neoplastic syndrome; Hereditary Cancer Syndrome. Identifiers: Orphanet 140162, MedGen C0027672, MeSH D009386, MONDO:0015356.

Submission:

Ambry Genetics
Classification: Uncertain significance for Hereditary cancer-predisposing syndrome. Last evaluated: 2026-07-06. Review status: criteria provided, single submitter. Criteria: Ambry Variant Classification Scheme 2023. Collection method: clinical testing. Allele origin: germline.
Comment: The p.T547P variant (also known as c.1639A>C), located in coding exon 6 of the BLM gene, results from an A to C substitution at nucleotide position 1639. The threonine at codon 547 is replaced by proline, an amino acid with highly similar properties. This amino acid position is conserved. In addition, this alteration is predicted to be tolerated by in silico analysis. Based on the available evidence, the clinical significance of this variant remains unclear.

NM_000057.4(BLM):c.1639A>C (p.Thr547Pro)

Gene: BLM (BLM RecQ like helicase; plus strand). Cytogenetic location: 15q26.1.
Variant type: single nucleotide variant.
Coding change: c.1639A>C on transcript NM_000057.4 (MANE Select); coding-DNA position 1639, A replaced by C.
Protein change: p.Thr547Pro; replaces threonine 547 with proline.
Molecular consequence: missense variant.
Genome position (GRCh38, 1-based): chr15:90,761,012, A>C. VCF-style: chr15-90761012-A-C. GRCh37 (hg19) VCF-style: chr15-91304242-A-C.
Other names: c.1639A>C, p.Thr547Pro (NM_001287246.2, NM_001287247.2); c.514A>C, p.Thr172Pro (NM_001287248.2); short protein forms T172P, T547P.
Identifiers: ClinVar variation 5032882 (VCV005032882.1).